The following is an entry in ClinVar:

NM_000548.5(TSC2):c.3043C>G (p.Leu1015Val)

Gene: TSC2 (TSC complex subunit 2; plus strand). Cytogenetic location: 16p13.3.
Variant type: single nucleotide variant.
Coding change: c.3043C>G on transcript NM_000548.5 (MANE Select); coding-DNA position 3043, C replaced by G.
Protein change: p.Leu1015Val; replaces leucine 1015 with valine.
Molecular consequence: missense variant.
Genome position (GRCh38, 1-based): chr16:2,079,108, C>G. VCF-style: chr16-2079108-C-G. GRCh37 (hg19) VCF-style: chr16-2129109-C-G.
Other names: c.2911C>G, p.Leu971Val (NM_001077183.3, NM_001370404.1); c.3043C>G, p.Leu1015Val (NM_001114382.3); c.2803C>G, p.Leu935Val (NM_001318827.2); c.2767C>G, p.Leu923Val (NM_001318829.2); c.2311C>G, p.Leu771Val (NM_001318831.2); c.2944C>G, p.Leu982Val (NM_001318832.2); c.2914C>G, p.Leu972Val (NM_001363528.2, NM_001370405.1, NM_021055.3); short protein forms L1015V, L771V, L923V, L935V, L971V, L972V, L982V.
Identifiers: ClinVar variation 1313358 (VCV001313358.2), dbSNP rs2151432458, ClinGen allele CA394284193.

ClinVar aggregate classification (germline): Uncertain significance (1 of 4 stars; one submission).

gnomAD v4.1: 2 of 1,613,072 alleles (0.00012%); highest among the groups gnomAD compares: South Asian, 0.0022%; no homozygotes.

Submission:

GeneDx
Classification: Uncertain significance. Last evaluated: 2020-10-12. Review status: criteria provided, single submitter. Criteria: GeneDx Variant Classification Process June 2021. Collection method: clinical testing. Allele origin: germline. Affected: yes.
Comment: Not observed in large population cohorts (Lek 2016); In silico analysis supports that this missense variant does not alter protein structure/function; Has not been previously published as pathogenic or benign to our knowledge